The following is an entry in ClinVar:

ClinVar aggregate classification (germline): Pathogenic (1 of 4 stars; one submission).

Conditions:
X-linked Alport syndrome (ATS1). Also called: NEPHROPATHY AND DEAFNESS, X-LINKED; COL4A5-Related Nephropathy. Identifiers: Orphanet 63, Orphanet 88917, MedGen C4746986, MONDO:0010520, OMIM 301050.

Submission:

Centre de Génétique Humaine, Institut de Pathologie Et de Génétique
Classification: Pathogenic for X-linked Alport syndrome. Last evaluated: 2026-06-11. Review status: criteria provided, single submitter. Criteria: ACMG Guidelines, 2015. Collection method: clinical testing. Allele origin: germline. Inheritance: X-linked dominant inheritance. Affected: yes. Observed: 1 variant allele, 1 heterozygote. Segregation with disease not observed.
Comment: This 1bp deletion/2bp insertion is a frameshift variant predicted to result in protein truncation or nonsense mediated decay in a gene for which loss-of-function is a known mechanism of disease (PVS1). This variant is rare: absent in gnomAD v4.1.0 database (PM2).

NM_033380.3(COL4A5):c.2330delinsAA (p.Arg777fs)

Gene: COL4A5 (collagen type IV alpha 5 chain; plus strand). Cytogenetic location: Xq22.3.
Variant type: Indel.
Coding change: c.2330delinsAA on transcript NM_033380.3 (MANE Select); coding-DNA position 2330, G replaced by AA.
Protein change: p.Arg777fs; shifts the reading frame from arginine 777.
Molecular consequence: frameshift variant.
Genome position (GRCh38, 1-based): chrX:108,606,827, G replaced by AA. VCF-style: chrX-108606827-G-AA. GRCh37 (hg19) VCF-style: chrX-107850057-G-AA.
Other names: p.(Arg777Glnfs*24); c.2330delinsAA, p.Arg777fs (NM_000495.5); short protein forms R777fs.
Identifiers: ClinVar variation 5042000 (VCV005042000.1).